The following is an entry in ClinVar:

ClinVar aggregate classification (germline): Pathogenic (1 of 4 stars; one submission).

Conditions:
Congenital prothrombin deficiency. Also called: Factor II deficiency; HYPOPROTHROMBINEMIA; Inherited hypoprothrombinemia; Congenital factor II deficiency; Inherited prothrombin deficiency; Hereditary factor II deficiency disease. Identifiers: Orphanet 325, MedGen C0272317, MONDO:0013361, OMIM 613679.

Submission:

Labcorp Genetics (formerly Invitae), Labcorp
Classification: Pathogenic for Congenital prothrombin deficiency. Last evaluated: 2025-08-18. Review status: criteria provided, single submitter. Criteria: Invitae Variant Classification Sherloc (09022015). Collection method: clinical testing. Allele origin: germline.
Comment: This sequence change creates a premature translational stop signal (p.Arg5*) in the F2 gene. It is expected to result in an absent or disrupted protein product. Loss-of-function variants in F2 are known to be pathogenic (PMID: 23852823). This variant is not present in population databases (gnomAD no frequency). This variant has not been reported in the literature in individuals affected with F2-related conditions. ClinVar contains an entry for this variant (Variation ID: 2806215). For these reasons, this variant has been classified as Pathogenic.

Literature cited by the submitters: PubMed 23852823.

NM_000506.5(F2):c.13C>T (p.Arg5Ter)

Gene: F2 (coagulation factor II, thrombin; plus strand). Cytogenetic location: 11p11.2.
Variant type: single nucleotide variant.
Coding change: c.13C>T on transcript NM_000506.5 (MANE Select); coding-DNA position 13, C replaced by T.
Protein change: p.Arg5Ter; replaces arginine 5 with a stop codon.
Molecular consequence: nonsense.
Genome position (GRCh38, 1-based): chr11:46,719,248, C>T. VCF-style: chr11-46719248-C-T. GRCh37 (hg19) VCF-style: chr11-46740798-C-T.
Other names: short protein forms R5*.
Identifiers: ClinVar variation 2806215 (VCV002806215.3), dbSNP rs775021214, ClinGen allele CA380260043.